The following is an entry in ClinVar:

ClinVar aggregate classification (germline): Uncertain significance (1 of 4 stars; one submission).

Allele frequency attached by ClinVar (database versions not stated): gnomAD exomes below 0.00001; gnomAD 0.00001; TOPMed 0.00001.
gnomAD v4.1: 3 of 1,613,918 alleles (0.00019%); highest among the groups gnomAD compares: African/African-American, 0.0013%; no homozygotes.

Submission:

Labcorp Genetics (formerly Invitae), Labcorp
Classification: Uncertain significance. Last evaluated: 2021-11-26. Review status: criteria provided, single submitter. Criteria: Invitae Variant Classification Sherloc (09022015). Collection method: clinical testing. Allele origin: germline.
Comment: In summary, the available evidence is currently insufficient to determine the role of this variant in disease. Therefore, it has been classified as a Variant of Uncertain Significance. Algorithms developed to predict the effect of missense changes on protein structure and function (SIFT, PolyPhen-2, Align-GVGD) all suggest that this variant is likely to be tolerated. This variant has not been reported in the literature in individuals affected with DYM-related conditions. This variant is not present in population databases (gnomAD no frequency). This sequence change replaces threonine, which is neutral and polar, with alanine, which is neutral and non-polar, at codon 364 of the DYM protein (p.Thr364Ala).

NM_001353214.3(DYM):c.1090A>G (p.Thr364Ala)

Gene: DYM (dymeclin; minus strand). Cytogenetic location: 18q21.1.
Variant type: single nucleotide variant.
Coding change: c.1090A>G on transcript NM_001353214.3 (MANE Select); coding-DNA position 1090, A replaced by G.
Protein change: p.Thr364Ala; replaces threonine 364 with alanine.
Molecular consequence: missense variant.
Genome position (GRCh38, 1-based): chr18:49,282,032, T>C on the plus strand (A>G on the coding strand, the complement: DYM is on the minus strand). VCF-style: chr18-49282032-T-C. GRCh37 (hg19) VCF-style: chr18-46808402-T-C.
Other names: c.1087A>G, p.Thr363Ala (NM_001353210.3, NM_001353211.3, NM_001353212.3 and 3 more transcripts); c.1090A>G, p.Thr364Ala (NM_001353215.3, NM_001353216.3, NM_001374428.1 and 5 more transcripts); c.1084A>G, p.Thr362Ala (NM_001374429.1, NM_001374439.1); c.964A>G, p.Thr322Ala (NM_001374432.1, NM_001374436.1); c.907A>G, p.Thr303Ala (NM_001374437.1); c.862A>G, p.Thr288Ala (NM_001374440.1); c.520A>G, p.Thr174Ala (NM_001374441.1, NM_001374442.1, NM_001374444.1); c.517A>G, p.Thr173Ala (NM_001374443.1); short protein forms T322A, T363A, T174A, T364A, T303A, T173A, T288A, T362A.
Identifiers: ClinVar variation 1439717 (VCV001439717.6), dbSNP rs774590258, ClinGen allele CA402507990.
Genomic context (GRCh38, chr18:49,282,032, plus strand): 5'-ATGGAATGTTTAGTATGATACTTACAAGATTTTCCATATCTGTGCGAGCCAACATGTATG[T>C]TCTAATATTACTATTTTGATGGAGCAAGGTATACAAGAGGAGAGTTGCTTGATCAGATGT-3'
Protein context (NP_001340143.1, residues 354-374): TLLHQNSNIR[Thr364Ala]YMLARTDMEN